The following is an entry in ClinVar:

ClinVar aggregate classification (germline): Likely benign. Review status: criteria provided, multiple submitters, no conflicts (2 of 4 stars). 3 submissions from 3 submitters: Likely benign (3). Last evaluated 2026-02-01.

Conditions:
Inborn genetic diseases. Identifiers: MedGen C0950123, MeSH D030342.

Allele frequency attached by ClinVar (database versions not stated): ExAC 0.00003; gnomAD exomes 0.00005 and 0.00018; 1000 Genomes Project 30x 0.00016; 1000 Genomes Project 0.00020; TOPMed 0.00039; gnomAD 0.00045 and 0.00046.
gnomAD v4.1: 123 of 1,272,532 alleles (0.0097%); highest among the groups gnomAD compares: Admixed American, 0.19%; 1 homozygote.

Submissions (3):

CeGaT Center for Human Genetics Tuebingen
Classification: Likely benign. Last evaluated: 2026-02-01. Review status: criteria provided, single submitter. Criteria: CeGaT Center For Human Genetics Tuebingen Variant Classification Criteria Version 2. Collection method: clinical testing. Allele origin: germline. Affected: yes. Observed: 2 variant alleles.
Comment: GNPAT: BP4

Labcorp Genetics (formerly Invitae), Labcorp
Classification: Likely benign. Last evaluated: 2025-11-13. Review status: criteria provided, single submitter. Criteria: Invitae Variant Classification Sherloc (09022015). Collection method: clinical testing. Allele origin: germline.

Ambry Genetics
Classification: Likely benign for Inborn genetic diseases. Last evaluated: 2022-06-10. Review status: criteria provided, single submitter. Criteria: Ambry Variant Classification Scheme 2023. Collection method: clinical testing. Allele origin: germline.

NM_014236.4(GNPAT):c.1949G>A (p.Cys650Tyr)

Gene: GNPAT (glyceronephosphate O-acyltransferase; plus strand). Cytogenetic location: 1q42.2.
Variant type: single nucleotide variant.
Coding change: c.1949G>A on transcript NM_014236.4 (MANE Select); coding-DNA position 1949, G replaced by A.
Protein change: p.Cys650Tyr; replaces cysteine 650 with tyrosine.
Molecular consequence: missense variant.
Genome position (GRCh38, 1-based): chr1:231,276,146, G>A. VCF-style: chr1-231276146-G-A. GRCh37 (hg19) VCF-style: chr1-231411892-G-A.
Other names: c.1949G>A (NM_014236.3); c.1766G>A, p.Cys589Tyr (NM_001316350.2); short protein forms C589Y, C650Y.
Identifiers: ClinVar variation 1652792 (VCV001652792.14), dbSNP rs201099531, ClinGen allele CA1452174.